The following is an entry in ClinVar:

NM_017617.5(NOTCH1):c.4759A>G (p.Asn1587Asp)

Gene: NOTCH1 (notch receptor 1; minus strand). Cytogenetic location: 9q34.3.
Variant type: single nucleotide variant.
Coding change: c.4759A>G on transcript NM_017617.5 (MANE Select); coding-DNA position 4759, A replaced by G.
Protein change: p.Asn1587Asp; replaces asparagine 1587 with aspartic acid.
Molecular consequence: missense variant.
Genome position (GRCh38, 1-based): chr9:136,504,932, T>C on the plus strand (A>G on the coding strand, the complement: NOTCH1 is on the minus strand). VCF-style: chr9-136504932-T-C. GRCh37 (hg19) VCF-style: chr9-139399384-T-C.
Other names: short protein forms N1587D.
Identifiers: ClinVar variation 4736948 (VCV004736948.1).
Genomic context (GRCh38, chr9:136,504,932, plus strand): 5'-TGAAGACCACGTTGGTGTGCAGCACGCGGCTGAGCTCCCGCAGGAAGTGGAAGGAGCTGT[T>C]GCGCAGCTGCTCCGGCGGCATCAGCACCACCACCACCAGCGTGCCGGCCGCCAGCCTCTC-3'
Protein context (NP_060087.3, residues 1577-1597): VVLMPPEQLR[Asn1587Asp]SSFHFLRELS

ClinVar aggregate classification (germline): Uncertain significance (1 of 4 stars; one submission).

Conditions:
Adams-Oliver syndrome 5 (AOS5). Identifiers: Orphanet 974, MedGen C4014970, MONDO:0014459, OMIM 616028.

Submission:

Labcorp Genetics (formerly Invitae), Labcorp
Classification: Uncertain significance for Adams-Oliver syndrome 5. Last evaluated: 2025-12-17. Review status: criteria provided, single submitter. Criteria: Invitae Variant Classification Sherloc (09022015). Collection method: clinical testing. Allele origin: germline.
Comment: This sequence change replaces asparagine, which is neutral and polar, with aspartic acid, which is acidic and polar, at codon 1587 of the NOTCH1 protein (p.Asn1587Asp). This variant is not present in population databases (gnomAD no frequency). This variant has not been reported in the literature in individuals affected with NOTCH1-related conditions. Invitae Evidence Modeling of protein sequence and biophysical properties (such as structural, functional, and spatial information, amino acid conservation, physicochemical variation, residue mobility, and thermodynamic stability) indicates that this missense variant is not expected to disrupt NOTCH1 protein function with a negative predictive value of 80%. In summary, the available evidence is currently insufficient to determine the role of this variant in disease. Therefore, it has been classified as a Variant of Uncertain Significance.